The following is an entry in ClinVar:

ClinVar aggregate classification (germline): Pathogenic (1 of 4 stars; one submission).

Conditions:
Metachromatic leukodystrophy (MLD). Also called: CEREBROSIDE SULFATASE DEFICIENCY; METACHROMATIC LEUKOENCEPHALOPATHY; SULFATIDE LIPIDOSIS; Cerebral sclerosis diffuse metachromatic form; Arylsulfatase A Deficiency; ARSA DEFICIENCY. Identifiers: Orphanet 512, MedGen C0023522, MONDO:0018868, OMIM 250100.

Submission:

Labcorp Genetics (formerly Invitae), Labcorp
Classification: Pathogenic for Metachromatic leukodystrophy. Last evaluated: 2023-11-27. Review status: criteria provided, single submitter. Criteria: Invitae Variant Classification Sherloc (09022015). Collection method: clinical testing. Allele origin: germline.
Comment: This sequence change replaces isoleucine, which is neutral and non-polar, with phenylalanine, which is neutral and non-polar, at codon 324 of the ARSA protein (p.Ile324Phe). This variant is not present in population databases (gnomAD no frequency). This missense change has been observed in individual(s) with ARSA-related conditions (Invitae). In at least one individual the data is consistent with being in trans (on the opposite chromosome) from a pathogenic variant. ClinVar contains an entry for this variant (Variation ID: 1987797). Advanced modeling of protein sequence and biophysical properties (such as structural, functional, and spatial information, amino acid conservation, physicochemical variation, residue mobility, and thermodynamic stability) performed at Invitae indicates that this missense variant is expected to disrupt ARSA protein function with a positive predictive value of 95%. For these reasons, this variant has been classified as Pathogenic.

NM_000487.6(ARSA):c.970A>T (p.Ile324Phe)

Gene: ARSA (arylsulfatase A; minus strand). Cytogenetic location: 22q13.33.
Variant type: single nucleotide variant.
Coding change: c.970A>T on transcript NM_000487.6 (MANE Select); coding-DNA position 970, A replaced by T.
Protein change: p.Ile324Phe; replaces isoleucine 324 with phenylalanine.
Molecular consequence: missense variant.
Genome position (GRCh38, 1-based): chr22:50,626,163, T>A on the plus strand (A>T on the coding strand, the complement: ARSA is on the minus strand). VCF-style: chr22-50626163-T-A. GRCh37 (hg19) VCF-style: chr22-51064591-T-A.
Other names: c.970A>T, p.Ile324Phe (NM_001085425.3, NM_001085426.3, NM_001085427.3); c.712A>T, p.Ile238Phe (NM_001085428.3, NM_001362782.2); short protein forms I238F, I324F.
Identifiers: ClinVar variation 1987797 (VCV001987797.4), dbSNP rs557527090, ClinGen allele CA412174271.